The following is an entry in ClinVar:

ClinVar aggregate classification (germline): Pathogenic (1 of 4 stars; one submission).

Conditions:
Alzheimer disease 3 (AD3). Also called: ALZHEIMER DISEASE, FAMILIAL, 3. Identifiers: Orphanet 1020, MedGen C1843013, MONDO:0011913, OMIM 607822.
Frontotemporal dementia (FTD1). Also called: FRONTOTEMPORAL LOBAR DEGENERATION WITH TAU INCLUSIONS; FTLD WITH TAU INCLUSIONS; Dementia, frontotemporal, with or without parkinsonism; FRONTOTEMPORAL DEMENTIA WITH PARKINSONISM; FRONTOTEMPORAL LOBE DEMENTIA; MULTIPLE SYSTEM TAUOPATHY WITH PRESENILE DEMENTIA. Identifiers: Orphanet 282, MedGen C0338451, MONDO:0017276, OMIM 600274, HP:0002145.
Acne inversa, familial, 3 (ACNINV3). Identifiers: MedGen C3151038, MONDO:0013398, OMIM 613737.
Pick disease. Also called: PICK DISEASE OF BRAIN; LOBAR ATROPHY OF BRAIN; Pick's disease; Pick Disease of the Brain; DEMENTIA WITH LOBAR ATROPHY AND NEURONAL CYTOPLASMIC INCLUSIONS. Identifiers: Orphanet 282, MedGen C0236642, MONDO:0008243, OMIM 172700.

Submission:

Labcorp Genetics (formerly Invitae), Labcorp
Classification: Pathogenic for Alzheimer disease 3; Pick disease; Acne inversa, familial, 3; Frontotemporal dementia. Last evaluated: 2018-03-20. Review status: criteria provided, single submitter. Criteria: Invitae Variant Classification Sherloc (09022015). Collection method: clinical testing. Allele origin: germline.
Comment: This sequence change affects an acceptor splice site in intron 8 of the PSEN1 gene. It is expected to disrupt RNA splicing and likely results in an absent or disrupted protein product. For these reasons, this variant has been classified as Pathogenic. A different variant affecting this nucleotide (c.c.869-2A>G) has been determined to be pathogenic (PMID: 20634584, 26194182, 28350801). This suggests that this nucleotide is important for normal RNA splicing, and that other variants at this position may also be pathogenic. Algorithms developed to predict the effect of sequence changes on RNA splicing suggest that this variant may disrupt the consensus splice site, but this prediction has not been confirmed by published transcriptional studies. This variant is not present in population databases (ExAC no frequency).

Literature cited by the submitters: PubMed 20634584; PubMed 26194182; PubMed 28350801.

NM_000021.4(PSEN1):c.869-2A>T

Gene: PSEN1 (presenilin 1; plus strand). Cytogenetic location: 14q24.2.
Variant type: single nucleotide variant.
Coding change: c.869-2A>T on transcript NM_000021.4 (MANE Select); the canonical splice acceptor site of the intron before coding-DNA position 869, A replaced by T.
Molecular consequence: splice acceptor variant.
Genome position (GRCh38, 1-based): chr14:73,206,384, A>T. VCF-style: chr14-73206384-A-T. GRCh37 (hg19) VCF-style: chr14-73673092-A-T.
Other names: c.857-2A>T (NM_007318.3).
Identifiers: ClinVar variation 579680 (VCV000579680.9), dbSNP rs1566650594, ClinGen allele CA390304667.